The following is an entry in ClinVar:

NM_000348.4(SRD5A2):c.591G>T (p.Glu197Asp)

Gene: SRD5A2 (steroid 5 alpha-reductase 2; minus strand). Cytogenetic location: 2p23.1.
Variant type: single nucleotide variant.
Coding change: c.591G>T on transcript NM_000348.4 (MANE Select); coding-DNA position 591, G replaced by T.
Protein change: p.Glu197Asp; replaces glutamic acid 197 with aspartic acid.
Molecular consequence: missense variant.
Genome position (GRCh38, 1-based): chr2:31,529,414, C>A on the plus strand (G>T on the coding strand, the complement: SRD5A2 is on the minus strand). VCF-style: chr2-31529414-C-A. GRCh37 (hg19) VCF-style: chr2-31754484-C-A.
Other names: short protein forms E197D.
Identifiers: ClinVar variation 3349 (VCV000003349.7), dbSNP rs121434253, ClinGen allele CA340085.

ClinVar aggregate classification (germline): Pathogenic. Review status: criteria provided, multiple submitters, no conflicts (2 of 4 stars). 3 submissions from 3 submitters: Pathogenic (2). 1 of the submissions does not count toward it. Last evaluated 2026-01-29.

Conditions:
3-Oxo-5 alpha-steroid delta 4-dehydrogenase deficiency (PPSH). Also called: MALE PSEUDOHERMAPHRODITISM DUE TO 5-ALPHA-REDUCTASE DEFICIENCY; FAMILIAL INCOMPLETE MALE PSEUDOHERMAPHRODITISM, TYPE 2; 46,XY disorder of sex development due to 5-alpha-reductase 2 deficiency; PSEUDOVAGINAL PERINEOSCROTAL HYPOSPADIAS. Identifiers: Orphanet 753, MedGen C0268297, MONDO:0009923, OMIM 264600. Disease mechanism: loss of function.

Allele frequency attached by ClinVar (database versions not stated): ExAC 0.00003; gnomAD exomes 0.00001.
gnomAD v4.1: 4 of 1,613,920 alleles (0.00025%); highest among the groups gnomAD compares: Admixed American, 0.0067%; no homozygotes.

Submissions (3):

3billion
Classification: Pathogenic for 3-Oxo-5 alpha-steroid delta 4-dehydrogenase deficiency. Last evaluated: 2026-01-29. Review status: criteria provided, single submitter. Criteria: ACMG Guidelines, 2015. Collection method: clinical testing. Allele origin: germline. Affected: yes.
Comment: The variant is observed at an extremely low frequency in the gnomAD v4.1.0 dataset (total allele frequency: <0.001%). Predicted Consequence/Location: Missense variant In silico tool prediction suggests damaging effect of the variant on gene or gene product [3Cnet: 0.96 (> 0.75, sensitivity 0.96 and precision 0.92)]. The same nucleotide change resulting in the same amino acid change has been previously reported as pathogenic/likely pathogenic with strong evidence (ClinVar ID: VCV000003349 /PMID: 35154247). The variant has been reported to be in trans (confirmed or potential) with an additional pathogenic variant or VUS in at least one similarly affected unrelated individual (PMID: 10999800, 20019388 /3billion dataset). A different missense change at the same codon (p.Glu197Lys) has been reported as pathogenic/likely pathogenic with strong evidence (ClinVar ID: VCV001298365 /PMID: 30695888). Therefore, this variant is classified as Pathogenic according to the recommendation of ACMG/AMP guideline.

Labcorp Genetics (formerly Invitae), Labcorp
Classification: Pathogenic for 3-Oxo-5 alpha-steroid delta 4-dehydrogenase deficiency. Last evaluated: 2022-07-07. Review status: criteria provided, single submitter. Criteria: Invitae Variant Classification Sherloc (09022015). Collection method: clinical testing. Allele origin: germline.
Comment: Algorithms developed to predict the effect of variants on protein structure and function are not available or were not evaluated for this variant. Experimental studies have shown that this missense change affects SRD5A2 function (PMID: 8110760). Algorithms developed to predict the effect of sequence changes on RNA splicing suggest that this variant may disrupt the consensus splice site. For these reasons, this variant has been classified as Pathogenic. ClinVar contains an entry for this variant (Variation ID: 3349). This sequence change replaces glutamic acid, which is acidic and polar, with aspartic acid, which is acidic and polar, at codon 197 of the SRD5A2 protein (p.Glu197Asp). This variant is present in population databases (rs121434253, gnomAD 0.01%). This missense change has been observed in individual(s) with Steroid-5 alpha-reductase deficiency (PMID: 8262007, 10999800, 20019388; Inivitae). In at least one individual the data is consistent with being in trans (on the opposite chromosome) from a pathogenic variant. This variant is also known as E197D .

OMIM
Classification: Pathogenic for PSEUDOVAGINAL PERINEOSCROTAL HYPOSPADIAS. Last evaluated: 2000-09-01. Review status: no assertion criteria provided. Collection method: literature only. Allele origin: germline. Not counted in ClinVar's aggregate classification.

Literature cited by the submitters: PubMed 30695888 (cited by 3billion); PubMed 35154247 (cited by 3billion); PubMed 10999800 (cited by 3 submitters); PubMed 20019388 (cited by 3billion and Labcorp Genetics (formerly Invitae), Labcorp); PubMed 8110760 (cited by Labcorp Genetics (formerly Invitae), Labcorp); PubMed 8262007 (cited by Labcorp Genetics (formerly Invitae), Labcorp).